The following is an entry in ClinVar:

ClinVar aggregate classification (germline): Uncertain significance. Review status: criteria provided, multiple submitters, no conflicts (2 of 4 stars). 2 submissions from 2 submitters: Uncertain significance (2). Last evaluated 2024-03-01.

Conditions:
Cardiovascular phenotype. Identifiers: MedGen CN230736.
Costello syndrome (CSTLO). Also called: FCS SYNDROME; FACIOCUTANEOSKELETAL SYNDROME; HRAS-Related Costello Syndrome. Identifiers: Orphanet 3071, MedGen C0587248, MONDO:0009026, OMIM 218040.

Submissions (2):

Ambry Genetics
Classification: Uncertain significance for Cardiovascular phenotype. Last evaluated: 2024-03-01. Review status: criteria provided, single submitter. Criteria: Ambry Variant Classification Scheme 2023. Collection method: clinical testing. Allele origin: germline.
Comment: The p.M111L variant (also known as c.331A>T), located in coding exon 3 of the HRAS gene, results from an A to T substitution at nucleotide position 331. The methionine at codon 111 is replaced by leucine, an amino acid with highly similar properties. This amino acid position is conserved. In addition, the in silico prediction for this alteration is inconclusive. Based on the available evidence, the clinical significance of this alteration remains unclear.

Labcorp Genetics (formerly Invitae), Labcorp
Classification: Uncertain significance for Costello syndrome. Last evaluated: 2024-01-10. Review status: criteria provided, single submitter. Criteria: Invitae Variant Classification Sherloc (09022015). Collection method: clinical testing. Allele origin: germline.
Comment: This sequence change replaces methionine, which is neutral and non-polar, with leucine, which is neutral and non-polar, at codon 111 of the HRAS protein (p.Met111Leu). This variant is not present in population databases (gnomAD no frequency). This variant has not been reported in the literature in individuals affected with HRAS-related conditions. Advanced modeling of protein sequence and biophysical properties (such as structural, functional, and spatial information, amino acid conservation, physicochemical variation, residue mobility, and thermodynamic stability) performed at Invitae indicates that this missense variant is not expected to disrupt HRAS protein function with a negative predictive value of 95%. In summary, the available evidence is currently insufficient to determine the role of this variant in disease. Therefore, it has been classified as a Variant of Uncertain Significance.

NM_005343.4(HRAS):c.331A>T (p.Met111Leu)

Genes: LRRC56 (leucine rich repeat containing 56; plus strand), HRAS (HRas proto-oncogene, GTPase; minus strand). Cytogenetic location: 11p15.5.
Variant type: single nucleotide variant.
Coding change: c.331A>T on transcript NM_005343.4 (MANE Select); coding-DNA position 331, A replaced by T.
Protein change: p.Met111Leu; replaces methionine 111 with leucine.
Molecular consequence: missense variant. On other transcripts: synonymous variant (1).
Genome position (GRCh38, 1-based): chr11:533,572, T>A on the plus strand (A>T on the coding strand, the complement: HRAS is on the minus strand). VCF-style: chr11-533572-T-A. GRCh37 (hg19) VCF-style: chr11-533572-T-A.
Other names: c.331A>T (NM_005343.2); c.331A>T, p.Met111Leu (NM_001130442.3, NM_176795.5); c.12A>T, p.Pro4= (NM_001318054.2); short protein forms M111L.
Identifiers: ClinVar variation 2958767 (VCV002958767.4), dbSNP rs771447288, ClinGen allele CA378923617.